The following is an entry in ClinVar:

NM_152513.4(MEI1):c.3346-8_3346-7dup

Gene: MEI1 (meiotic double-stranded break formation protein 1; plus strand). Cytogenetic location: 22q13.2.
Variant type: Duplication.
Coding change: c.3346-8_3346-7dup on transcript NM_152513.4 (MANE Select); 8 bases into the intron before coding-DNA position 3346 through 7 bases into the intron before coding-DNA position 3346, 2 bases duplicated (TT; older notation c.3346-8_3346-7dupTT).
Molecular consequence: intron variant.
Genome position (GRCh38, 1-based): chr22:41,793,821-41,793,822, TT duplicated; duplicating any 2 consecutive bases within chr22:41,793,807-41,793,822 gives the same sequence; the c. name uses the placement nearest the transcript's 3' end. VCF-style (leftmost placement, unchanged base first): chr22-41793806-A-ATT. GRCh37 (hg19) VCF-style: chr22-42189810-A-ATT.
Identifiers: ClinVar variation 3057136 (VCV003057136.2), dbSNP rs113484758, ClinGen allele CA10260832.

ClinVar aggregate classification (germline): Likely benign (0 of 4 stars; one submission).

Conditions:
MEI1-related disorder. Also called: MEI1-related condition.

Submission:

PreventionGenetics, part of Exact Sciences
Classification: Likely benign for MEI1-related condition. Last evaluated: 2019-03-01. Review status: no assertion criteria provided. Collection method: clinical testing. Allele origin: germline.
Comment: This variant is classified as likely benign based on ACMG/AMP sequence variant interpretation guidelines (Richards et al. 2015 PMID: 25741868, with internal and published modifications).